The following is an entry in ClinVar:

NM_020778.4:c.175C>G

Gene: ALPK3 (alpha kinase 3; plus strand).
Variant type: single nucleotide variant.
Other names: p.Arg59Gly.
Identifiers: ClinVar variation 4684021 (VCV004684021.1).

ClinVar aggregate classification (germline): Benign (1 of 4 stars; one submission).

Submission:

Mayo Clinic Laboratories, Mayo Clinic
Classification: Benign. Last evaluated: 2023-04-21. Review status: criteria provided, single submitter. Criteria: ACMG Guidelines, 2015. Collection method: clinical testing. Allele origin: germline. Observed: 8 variant alleles.
Comment: BS1, BS2, BP4